The following is an entry in ClinVar:

ClinVar aggregate classification (germline): Benign. Review status: criteria provided, single submitter (1 of 4 stars). 2 submissions from 2 submitters: Benign (1). 1 of the submissions does not count toward it. Last evaluated 2025-07-30.

Conditions:
Epileptic encephalopathy. Identifiers: MedGen C0543888, HP:0200134.
GABBR2-related disorder. Also called: GABBR2-related disorders; GABBR2-related condition.

Allele frequency attached by ClinVar (database versions not stated): gnomAD 0.00001 and 0.00002; gnomAD exomes 0.00003 and 0.00006; TOPMed 0.00003; ESP Exome Variant Server 0.00008; ExAC 0.00010; 1000 Genomes Project 30x 0.00016; 1000 Genomes Project 0.00020.
gnomAD v4.1: 46 of 1,614,212 alleles (0.0028%); highest among the groups gnomAD compares: East Asian, 0.02%; no homozygotes.

Submissions (2):

Labcorp Genetics (formerly Invitae), Labcorp
Classification: Benign for Epileptic encephalopathy. Last evaluated: 2025-07-30. Review status: criteria provided, single submitter. Criteria: Invitae Variant Classification Sherloc (09022015). Collection method: clinical testing. Allele origin: germline.

PreventionGenetics, part of Exact Sciences
Classification: Likely benign for GABBR2-related condition. Last evaluated: 2022-03-14. Review status: no assertion criteria provided. Collection method: clinical testing. Allele origin: germline. Not counted in ClinVar's aggregate classification.
Comment: This variant is classified as likely benign based on ACMG/AMP sequence variant interpretation guidelines (Richards et al. 2015 PMID: 25741868, with internal and published modifications).

NM_005458.8(GABBR2):c.599C>T (p.Thr200Met)

Gene: GABBR2 (gamma-aminobutyric acid type B receptor subunit 2; minus strand). Cytogenetic location: 9q22.33.
Variant type: single nucleotide variant.
Coding change: c.599C>T on transcript NM_005458.8 (MANE Select); coding-DNA position 599, C replaced by T.
Protein change: p.Thr200Met; replaces threonine 200 with methionine.
Molecular consequence: missense variant.
Genome position (GRCh38, 1-based): chr9:98,541,904, G>A on the plus strand (C>T on the coding strand, the complement: GABBR2 is on the minus strand). VCF-style: chr9-98541904-G-A. GRCh37 (hg19) VCF-style: chr9-101304186-G-A.
Other names: short protein forms T200M.
Identifiers: ClinVar variation 531004 (VCV000531004.13), dbSNP rs146370047, ClinGen allele CA5152948.